The following is an entry in ClinVar:

NM_000059.4(BRCA2):c.5462A>G (p.Lys1821Arg)

Gene: BRCA2 (BRCA2 DNA repair associated; plus strand). Cytogenetic location: 13q13.1.
Variant type: single nucleotide variant.
Coding change: c.5462A>G on transcript NM_000059.4 (MANE Select); coding-DNA position 5462, A replaced by G.
Protein change: p.Lys1821Arg; replaces lysine 1821 with arginine.
Molecular consequence: missense variant.
Genome position (GRCh38, 1-based): chr13:32,339,817, A>G. VCF-style: chr13-32339817-A-G. GRCh37 (hg19) VCF-style: chr13-32913954-A-G.
Other names: short protein forms K1821R.
Identifiers: ClinVar variation 481586 (VCV000481586.11), dbSNP rs1555284238, ClinGen allele CA387785647.
Genomic context (GRCh38, chr13:32,339,817, plus strand): 5'-CACAAACTGTAAATGAAGATATTTGCGTTGAGGAACTTGTGACTAGCTCTTCACCCTGCA[A>G]AAATAAAAATGCAGCCATTAAATTGTCCATATCTAATAGTAATAATTTTGAGGTAGGGCC-3'
Protein context (NP_000050.3, residues 1811-1831): EELVTSSSPC[Lys1821Arg]NKNAAIKLSI

ClinVar aggregate classification (germline): Conflicting classifications of pathogenicity. Review status: criteria provided, conflicting classifications (1 of 4 stars). 3 submissions from 3 submitters: Uncertain significance (2); Likely benign (1). Last evaluated 2025-03-07.

Conditions:
Hereditary cancer-predisposing syndrome. Also called: Neoplastic Syndromes, Hereditary; Tumor predisposition; Hereditary Cancer Syndrome; Hereditary neoplastic syndrome. Identifiers: Orphanet 140162, MedGen C0027672, MeSH D009386, MONDO:0015356.
Hereditary breast ovarian cancer syndrome. Also called: Hereditary breast and ovarian cancer syndrome; Hereditary breast and ovarian cancer; Hereditary breast and ovarian cancer syndrome (HBOC); Breast and ovarian cancer; Hereditary breast and/or ovarian cancer syndrome; BRCA1- and BRCA2-Associated Hereditary Breast and Ovarian Cancer. Identifiers: Orphanet 145, MedGen C0677776, MeSH D061325, MONDO:0003582. Disease mechanism: loss of function.

Allele frequency attached by ClinVar (database versions not stated): gnomAD exomes below 0.00001.
gnomAD v4.1: 1 of 1,613,932 alleles (0.000062%); highest among the groups gnomAD compares: Non-Finnish European, 0.000085%; no homozygotes.

Submissions (3):

Labcorp Genetics (formerly Invitae), Labcorp
Classification: Uncertain significance for Hereditary breast ovarian cancer syndrome. Last evaluated: 2025-03-07. Review status: criteria provided, single submitter. Criteria: Invitae Variant Classification Sherloc (09022015). Collection method: clinical testing. Allele origin: germline.
Comment: This sequence change replaces lysine, which is basic and polar, with arginine, which is basic and polar, at codon 1821 of the BRCA2 protein (p.Lys1821Arg). This variant is not present in population databases (gnomAD no frequency). This variant has not been reported in the literature in individuals affected with BRCA2-related conditions. ClinVar contains an entry for this variant (Variation ID: 481586). Invitae Evidence Modeling of protein sequence and biophysical properties (such as structural, functional, and spatial information, amino acid conservation, physicochemical variation, residue mobility, and thermodynamic stability) indicates that this missense variant is not expected to disrupt BRCA2 protein function with a negative predictive value of 95%. In summary, the available evidence is currently insufficient to determine the role of this variant in disease. Therefore, it has been classified as a Variant of Uncertain Significance.

Ambry Genetics
Classification: Uncertain significance for Hereditary cancer-predisposing syndrome. Last evaluated: 2025-02-10. Review status: criteria provided, single submitter. Criteria: Ambry Variant Classification Scheme 2023. Collection method: clinical testing. Allele origin: germline.
Comment: The p.K1821R variant (also known as c.5462A>G), located in coding exon 10 of the BRCA2 gene, results from an A to G substitution at nucleotide position 5462. The lysine at codon 1821 is replaced by arginine, an amino acid with highly similar properties. This amino acid position is not well conserved in available vertebrate species. In addition, this alteration is predicted to be tolerated by in silico analysis. Based on the available evidence, the clinical significance of this variant remains unclear.

University of Washington Department of Laboratory Medicine, University of Washington
Classification: Likely benign for Hereditary cancer-predisposing syndrome. Last evaluated: 2023-03-23. Review status: criteria provided, single submitter. Criteria: Dines et al. (Genet Med. 2020). Collection method: curation. Allele origin: germline.
Comment: Missense variant in a coldspot region where missense variants are very unlikely to be pathogenic (PMID:31911673).

BRCA2 exon 11 coldspot. Reclassification based on statistical prior probability.